The following is an entry in ClinVar:

NM_000222.3(KIT):c.1514A>G (p.Asn505Ser)

Gene: KIT (KIT proto-oncogene, receptor tyrosine kinase; plus strand). Cytogenetic location: 4q12.
Variant type: single nucleotide variant.
Coding change: c.1514A>G on transcript NM_000222.3 (MANE Select); coding-DNA position 1514, A replaced by G.
Protein change: p.Asn505Ser; replaces asparagine 505 with serine.
Molecular consequence: missense variant.
Genome position (GRCh38, 1-based): chr4:54,726,024, A>G. VCF-style: chr4-54726024-A-G. GRCh37 (hg19) VCF-style: chr4-55592190-A-G.
Other names: c.1514A>G, p.Asn505Ser (NM_001093772.2, NM_001385285.1, NM_001385286.1); c.1517A>G, p.Asn506Ser (NM_001385284.1, NM_001385288.1, NM_001385290.1 and 1 more transcripts); short protein forms N505S, N506S.
Identifiers: ClinVar variation 2748003 (VCV002748003.3), dbSNP rs2109769686, ClinGen allele CA356906641.

ClinVar aggregate classification (germline): Uncertain significance (1 of 4 stars; one submission).

Conditions:
Gastrointestinal stromal tumor. Also called: Gastrointestinal stromal tumor, somatic; Gastrointestinal stroma tumor. Identifiers: Orphanet 44890, MedGen C0238198, MeSH D046152, MONDO:0011719, OMIM 606764, HP:0100723.

Submission:

Labcorp Genetics (formerly Invitae), Labcorp
Classification: Uncertain significance for Gastrointestinal stromal tumor. Last evaluated: 2023-08-02. Review status: criteria provided, single submitter. Criteria: Invitae Variant Classification Sherloc (09022015). Collection method: clinical testing. Allele origin: germline.
Comment: In summary, the available evidence is currently insufficient to determine the role of this variant in disease. Therefore, it has been classified as a Variant of Uncertain Significance. An algorithm developed to predict the effect of missense changes on protein structure and function (PolyPhen-2) suggests that this variant is likely to be tolerated. This variant has not been reported in the literature in individuals affected with KIT-related conditions. This variant is not present in population databases (gnomAD no frequency). This sequence change replaces asparagine, which is neutral and polar, with serine, which is neutral and polar, at codon 505 of the KIT protein (p.Asn505Ser).